The following is an entry in ClinVar:

ClinVar aggregate classification (germline): Pathogenic (1 of 4 stars; one submission).

Submission:

Labcorp Genetics (formerly Invitae), Labcorp
Classification: Pathogenic. Last evaluated: 2023-11-25. Review status: criteria provided, single submitter. Criteria: Invitae Variant Classification Sherloc (09022015). Collection method: clinical testing. Allele origin: unknown.
Comment: This variant is a gross deletion of the genomic region encompassing exon(s) 1-8 of the CHM gene, which includes the initiator codon. This deletion extends beyond the assayed region for this gene and therefore may encompass additional genes. It is expected to result in an absent or disrupted protein product. Loss-of-function variants in CHM are known to be pathogenic (PMID: 9067750, 23811034). A similar copy number variant has been observed in individual(s) with choroideremia (PMID: 7981671). For these reasons, this variant has been classified as Pathogenic.

Literature cited by the submitters: PubMed 9067750; PubMed 23811034; PubMed 7981671.

NC_000023.10:g.(?_85211138)_(85302644_?)del

Gene: CHM (CHM Rab escort protein; minus strand). Cytogenetic location: Xq21.2.
Variant type: Deletion.
Identifiers: ClinVar variation 3245855 (VCV003245855.1).